The following is an entry in ClinVar:

NC_000023.10:g.(?_31983146)_(31986651_?)dup

Gene: DMD (dystrophin; minus strand). Cytogenetic location: Xp21.1.
Variant type: Duplication.
Identifiers: ClinVar variation 3242701 (VCV003242701.1).

ClinVar aggregate classification (germline): Pathogenic (1 of 4 stars; one submission).

Conditions:
Duchenne muscular dystrophy (DMD). Also called: MUSCULAR DYSTROPHY, PSEUDOHYPERTROPHIC PROGRESSIVE, DUCHENNE TYPE; Duchenne Muscular Dystrophy (DMD). Identifiers: Orphanet 98896, MedGen C0013264, MONDO:0010679, OMIM 310200.

Submission:

Labcorp Genetics (formerly Invitae), Labcorp
Classification: Pathogenic for Duchenne muscular dystrophy. Last evaluated: 2023-10-30. Review status: criteria provided, single submitter. Criteria: Invitae Variant Classification Sherloc (09022015). Collection method: clinical testing. Allele origin: unknown.
Comment: This variant results in a copy number gain of the genomic region encompassing exon(s) 45 of the DMD gene. While the exact position of this variant cannot be determined from the data, sub-genic copy number gains are generally in tandem (PMID: 25640679). This variant is predicted to be out-of-frame, and may result in an absent or disrupted protein product. Loss-of-function variants in DMD are known to be pathogenic (PMID: 16770791, 25007885). A similar copy number variant has been observed in individuals with clinical features of dystrophinopathy (PMID: 15655674, 16917894, 24770780, 27206868). For these reasons, this variant has been classified as Pathogenic.

Literature cited by the submitters: PubMed 25640679; PubMed 16770791; PubMed 25007885; PubMed 15655674; PubMed 16917894; PubMed 24770780; PubMed 27206868.